The following is an entry in ClinVar:

NM_001170629.2(CHD8):c.4385G>A (p.Arg1462Gln)

Gene: CHD8 (chromodomain helicase DNA binding protein 8; minus strand). Cytogenetic location: 14q11.2.
Variant type: single nucleotide variant.
Coding change: c.4385G>A on transcript NM_001170629.2 (MANE Select); coding-DNA position 4385, G replaced by A.
Protein change: p.Arg1462Gln; replaces arginine 1462 with glutamine.
Molecular consequence: missense variant.
Genome position (GRCh38, 1-based): chr14:21,400,598, C>T on the plus strand (G>A on the coding strand, the complement: CHD8 is on the minus strand). VCF-style: chr14-21400598-C-T. GRCh37 (hg19) VCF-style: chr14-21868757-C-T.
Other names: c.3548G>A, p.Arg1183Gln (NM_020920.4); short protein forms R1183Q, R1462Q.
Identifiers: ClinVar variation 1740179 (VCV001740179.8), dbSNP rs745891727, ClinGen allele CA7091222.

ClinVar aggregate classification (germline): Conflicting classifications of pathogenicity. Review status: criteria provided, conflicting classifications (1 of 4 stars). 5 submissions from 5 submitters: Uncertain significance (3); Likely benign (2). Last evaluated 2026-07-20.

Conditions:
Inborn genetic diseases. Identifiers: MedGen C0950123, MeSH D030342.
Intellectual developmental disorder with autism and macrocephaly. Also called: Autism, susceptibility to, 18; CHD8-Related Neurodevelopmental Disorder with Overgrowth. Identifiers: Orphanet 642675, MedGen C3554373, MONDO:0014017, OMIM 615032.

Allele frequency attached by ClinVar (database versions not stated): ExAC 0.00001; gnomAD exomes 0.00001.
gnomAD v4.1: 10 of 1,576,512 alleles (0.00063%); highest among the groups gnomAD compares: Non-Finnish European, 0.00068%; no homozygotes.

Submissions (5):

Ambry Genetics
Classification: Uncertain significance for Inborn genetic diseases. Last evaluated: 2026-07-20. Review status: criteria provided, single submitter. Criteria: Ambry Variant Classification Scheme 2023. Collection method: clinical testing. Allele origin: germline.

Centre for Medical Genetics,  Mumbai
Classification: Likely benign for Intellectual developmental disorder with autism and macrocephaly. Last evaluated: 2026-03-20. Review status: criteria provided, single submitter. Criteria: ACMG Guidelines, 2015. Collection method: provider interpretation. Allele origin: germline. Inheritance: Autosomal dominant inheritance. Affected: no. Observed: 1 variant allele, 1 heterozygote.
Comment: The variant satisfies PM2 criteria; Extremely low frequency in gnomAD population databases. The variant satisfies PP2 criteria; Missense variant in a gene with low rate of benign missense mutations and for which missense mutation is a common mechanism of a disease. However, the variant satisfies BS2 criteria.

Labcorp Genetics (formerly Invitae), Labcorp
Classification: Likely benign. Last evaluated: 2025-04-25. Review status: criteria provided, single submitter. Criteria: Invitae Variant Classification Sherloc (09022015). Collection method: clinical testing. Allele origin: germline.

Blueprint Genetics
Classification: Uncertain significance. Last evaluated: 2024-11-08. Review status: criteria provided, single submitter. Criteria: ACMG Guidelines, 2015. Collection method: clinical testing. Allele origin: germline.

Centre of Medical Genetics, University Hospital Muenster
Classification: Uncertain significance. Last evaluated: 2022-12-05. Review status: criteria provided, single submitter. Criteria: ACMG Guidelines, 2015. Collection method: clinical testing. Allele origin: unknown. Affected: yes. Observed: 1 variant allele, 1 heterozygote.
Comment: ACMG categories: PM2,BP1

Literature cited by the submitters: PubMed 22495309 (cited by Centre for Medical Genetics,  Mumbai).